The following is an entry in ClinVar:

ClinVar aggregate classification (germline): Benign (1 of 4 stars; one submission).

Allele frequency attached by ClinVar (database versions not stated): TOPMed 0.62643; gnomAD 0.62863; 1000 Genomes Project 30x 0.67114; 1000 Genomes Project 0.67292.

Submission:

Unidad de Genómica Garrahan, Hospital de Pediatría Garrahan
Classification: Benign. Last evaluated: 2024-07-15. Review status: criteria provided, single submitter. Criteria: ACMG Guidelines, 2015. Collection method: clinical testing. Allele origin: germline. Affected: no. Observed: 77 variant alleles.
Comment: This variant is classified as Benign based on local population frequency. This variant was detected in 83% of patients studied in a panel designed for Epileptic and Developmental Encephalopathy and Progressive Myoclonus Epilepsy. Number of patients: 77. Only high quality variants are reported.

NM_020988.3(GNAO1):c.162-20272G>T

Gene: GNAO1 (G protein subunit alpha o1; plus strand). Cytogenetic location: 16q13.
Variant type: single nucleotide variant.
Coding change: c.162-20272G>T on transcript NM_020988.3 (MANE Select); 20272 bases into the intron before coding-DNA position 162, G replaced by T.
Molecular consequence: intron variant.
Genome position (GRCh38, 1-based): chr16:56,255,659, G>T. VCF-style: chr16-56255659-G-T. GRCh37 (hg19) VCF-style: chr16-56289571-G-T.
Other names: c.162-20272G>T (NM_138736.3).
Identifiers: ClinVar variation 3255234 (VCV003255234.2), dbSNP rs9302681.